The following is an entry in ClinVar:

NC_012920.1(MT-CYB):m.15848A>G

Gene: MT-CYB (mitochondrially encoded cytochrome b; plus strand).
Variant type: single nucleotide variant.
Genome position: chrM-15848-A-G.
Identifiers: ClinVar variation 377369 (VCV000377369.5), dbSNP rs1057520206, ClinGen allele CA16603354.

ClinVar aggregate classification (germline): Uncertain significance. Review status: reviewed by expert panel (3 of 4 stars). 3 submissions from 3 submitters: Uncertain significance (1). 2 of the submissions do not count toward it. Last evaluated 2023-07-10.

Conditions:
Leigh syndrome (NULS). Also called: Leigh Disease; Subacute necrotizing encephalopathy; Necrotizing encephalopathy infantile subacute of Leigh; LEIGH SYNDROME, NUCLEAR; Leigh's necrotizing encephalopathy; Leigh's disease. Identifiers: Orphanet 506, MedGen C2931891, MONDO:0009723, OMIM 256000.
Mitochondrial disease. Also called: Mitochondrial disorder; Mitochondrial disorders. Identifiers: Orphanet 68380, MedGen C0751651, MeSH D028361, MONDO:0044970.

Submissions (3):

ClinGen Mitochondrial Disease Nuclear and Mitochondrial  Variant Curation Expert Panel, ClinGen
Classification: Uncertain significance for Mitochondrial disease. Last evaluated: 2023-07-10. Review status: reviewed by expert panel. Criteria: McCormick et al. (Hum Mutat. 2020). Collection method: curation. Allele origin: germline. Inheritance: Mitochondrial inheritance.
Comment: The m.15848A>G (p.T368A) variant in MT-CYB was reviewed by the Mitochondrial Disease Nuclear and Mitochondrial Variant Curation Expert Panel on July 10, 2023. There are no individuals or families with primary mitochondrial disease with this variant reported in the medical literature to our knowledge. This variant is present at varying frequencies in population databases. The frequency in the MITOMAP GenBank sequences in 38/59,389 (0.064%) spread over 13 top level (single letter) haplogroups with European, Asian, and African ancestry. The frequency of homoplasmic occurrences of this variant in the Helix dataset in 98/195,983 (0.050%), in addition to 10 heteroplasmic occurrences, spread over 15 top level haplogroups with European, Asian, and African ancestry. The frequency of homoplasmic occurrences in gnomAD v3.1.2 is 217/56,429 (0.385%) in addition to two heteroplasmic occurrences, spread over 13 top level haplogroups with European, Asian, and African ancestry. The overall frequency is notably higher in this database than in MITOMAP and Helix, with 185 of the gnomAD sequences categorized as Latin American and all in top level haplogroup A. Therefore, the frequency of this variant meets neither criteria for pathogenicity (<0.002%) nor benign status (>0.5%). The computational predictor APOGEE gives scores of 0.33 (“neutral”) in APOGEE1 and 0.0087 (“benign”) in APOGEE2 (Min=0, Max=1), predicting no impact on gene function (BP4). There are no cybrids, single fiber studies, or other functional assays reported for this variant to date. In summary, this variant meets criteria to be classified as uncertain significance for primary mitochondrial disease inherited in a mitochondrial manner. This classification was approved by the NICHD/NINDS U24 ClinGen Mitochondrial Disease Variant Curation Expert Panel on July 10, 2023. Mitochondrial DNA-specific ACMG/AMP criteria applied: BP4.

Wong Mito Lab, Molecular and Human Genetics, Baylor College of Medicine
Classification: Benign for Leigh syndrome. Last evaluated: 2019-10-17. Review status: criteria provided, single submitter. Criteria: Modified ACMG Guidelines (Unpublished). Collection method: clinical testing. Allele origin: germline. Not counted in ClinVar's aggregate classification.
Comment: The NC_012920.1:m.15848A>G (YP_003024038.1:p.Thr368Ala) variant in MTCYB gene is interpretated to be a Benign variant based on the modified ACMG guidelines (unpublished). This variant meets the following evidence codes: BS1, BS2, BP4

Center for Pediatric Genomic Medicine, Children's Mercy Hospital and Clinics
Classification: Uncertain significance. Last evaluated: 2017-01-31. Review status: criteria provided, single submitter. Criteria: ACMG Guidelines, 2015. Collection method: clinical testing. Allele origin: germline. Not counted in ClinVar's aggregate classification.
ClinVar note: Converted during submission from Uncertain Significance to Uncertain significance.